The following is an entry in ClinVar:

NM_001127178.3(PIGG):c.2624_2625del (p.Gly874_Leu875insTer)

Gene: PIGG (phosphatidylinositol glycan anchor biosynthesis class G (EMM blood group); plus strand). Cytogenetic location: 4p16.3.
Variant type: Deletion.
Coding change: c.2624_2625del on transcript NM_001127178.3 (MANE Select); coding-DNA positions 2624 to 2625, 2 bases deleted (TA; older notation c.2624_2625delTA).
Protein change: p.Gly874_Leu875insTer.
Molecular consequence: nonsense. On other transcripts: non-coding transcript variant (10).
Genome position (GRCh38, 1-based): chr4:533,870-533,871, TA deleted. VCF-style (leftmost placement, unchanged base first): chr4-533869-TTA-T. GRCh37 (hg19) VCF-style: chr4-527658-TTA-T.
Other names: p.Leu875Ter; c.2624_2625delTA (NM_001127178.2, NM_001127178.3); c.2357_2358del, p.Gly785_Leu786insTer (NM_001289051.2, NM_001345986.2); c.2225_2226del, p.Gly741_Leu742insTer (NM_001289052.2); c.2333_2334del, p.Gly777_Leu778insTer (NM_001345987.2); c.1595_1596del, p.Gly531_Leu532insTer (NM_001345988.2); c.1091_1092del, p.Gly363_Leu364insTer (NM_001345990.2, NM_001345991.2); c.1526_1527del, p.Gly508_Leu509insTer (NM_001345994.2); and 1 more.
Identifiers: ClinVar variation 646604 (VCV000646604.23), dbSNP rs771819481, ClinGen allele CA2793698.

ClinVar aggregate classification (germline): Pathogenic. Review status: criteria provided, multiple submitters, no conflicts (2 of 4 stars). 10 submissions from 9 submitters: Pathogenic (6). 4 of the submissions do not count toward it. Last evaluated 2026-09-01.

Conditions:
Emm-null phenotype. Identifiers: MedGen C5677026.
Intellectual disability, autosomal recessive 53 (NEDHSCA). Also called: NEURODEVELOPMENTAL DISORDER WITH OR WITHOUT HYPOTONIA, SEIZURES, AND CEREBELLAR ATROPHY; GLYCOSYLPHOSPHATIDYLINOSITOL BIOSYNTHESIS DEFECT 13; Mental retardation, autosomal recessive 53. Identifiers: Orphanet 488635, MedGen C4310794, MONDO:0014832, OMIM 616917.

Allele frequency attached by ClinVar (database versions not stated): gnomAD 0.00002 and below 0.00001; gnomAD exomes 0.00010 and 0.00005; TOPMed 0.00001; ExAC 0.00014.

Submissions (10):

MVZ Martinsried, Medicover Genetics
Classification: Pathogenic for Intellectual disability, autosomal recessive 53. Last evaluated: 2026-09-01. Review status: criteria provided, single submitter. Criteria: ClinGen Variant Curation SOP V3.2 + Classification Guidance July2025. Collection method: clinical testing. Allele origin: inherited. Affected: yes. Observed: 2 homozygotes.

Center for Genomic Medicine, Rigshospitalet, Copenhagen University Hospital
Classification: Pathogenic. Last evaluated: 2025-12-29. Review status: criteria provided, single submitter. Criteria: ACMG Guidelines, 2015. Collection method: clinical testing. Allele origin: germline.

Labcorp Genetics (formerly Invitae), Labcorp
Classification: Pathogenic for Intellectual disability, autosomal recessive 53. Last evaluated: 2023-11-20. Review status: criteria provided, single submitter. Criteria: Invitae Variant Classification Sherloc (09022015). Collection method: clinical testing. Allele origin: germline.
Comment: This sequence change creates a premature translational stop signal (p.Leu875*) in the PIGG gene. It is expected to result in an absent or disrupted protein product. Loss-of-function variants in PIGG are known to be pathogenic (PMID: 26996948, 28581210, 28771251). This variant is present in population databases (rs771819481, gnomAD 0.08%). This premature translational stop signal has been observed in individual(s) with autosomal recessive syndromic intellectual disability (PMID: 28771251). This variant is also known as NM_017733.3:c.2600_2601delTA (p.Leu867*). ClinVar contains an entry for this variant (Variation ID: 646604). For these reasons, this variant has been classified as Pathogenic.

Foundation for Research in Genetics and Endocrinology, FRIGE's Institute of Human Genetics
Classification: Pathogenic for Intellectual disability, autosomal recessive 53. Last evaluated: 2023-09-16. Review status: criteria provided, single submitter. Criteria: ACMG Guidelines, 2015. Collection method: clinical testing. Allele origin: germline. Inheritance: Autosomal recessive inheritance. Affected: yes. Observed: 1 homozygote.
Comment: A homozygous 2 base pair deletion in exon 12 of the PIGG gene that results in premature truncation. This variant has not been reported in 1000 genomes and has a MAF of 0.002%, 0.01% and 0.001% in the gnomAD v3.1, gnomAD v2 and topmed databases respectively. This variant has previously been reported in patients affected with neurodevelopmental disorder with/without hypotonia, seizures, cerebellar atrophy (PMID:28771251). The in-silico prediction is damaging by MutationTaster2. In summary, the variant meets our criteria to be classified as pathogenic.

GeneDx
Classification: Pathogenic. Last evaluated: 2023-04-10. Review status: criteria provided, single submitter. Criteria: GeneDx Variant Classification Process June 2021. Collection method: clinical testing. Allele origin: germline. Affected: yes.
Comment: Published functional studies demonstrate a damaging effect on PIGG expression, resulting in a null enzymatic activity (Tremblay-Laganire C et al., 2021); Nonsense variant predicted to result in protein truncation or nonsense mediated decay in a gene for which loss of function is a known mechanism of disease; This variant is associated with the following publications: (PMID: 28771251, 34113002, 34535746, 34908758, 26996948, 28581210)

Neuberg Centre For Genomic Medicine, NCGM
Classification: Pathogenic for Intellectual disability, autosomal recessive 53. Review status: criteria provided, single submitter. Criteria: ACMG Guidelines, 2015. Collection method: clinical testing. Allele origin: germline. Inheritance: Autosomal recessive inheritance. Affected: yes.
Comment: The observed frameshift variant c.2624_2625del (p.Leu875Ter) in PIGG gene has been reported in homozygous state in individuals affected with PIGG-related disorders (Tremblay-Laganière C, et al., 2021; Lane WJ, et al., 2021). Functional studies indicate that this variant results in null enzyme activity (Tremblay-Laganière C, et al., 2021). The p.Leu875Ter variant has allele frequency 0.009% in gnomAD Exomes. This variant has been submitted to the ClinVar database as Likely Pathogenic / Pathogenic (multiple submitters). This variant is predicted to cause loss of normal protein function through protein truncation.Loss-of-function variants in PIGG are known to be pathogenic (Lionel AC et al. 2018). For these reasons, this variant has been classified as Pathogenic. In absence of another reportable variant in PIGG gene, the molecular diagnosis is not confirmed.

OMIM
Classification: Pathogenic for NEURODEVELOPMENTAL DISORDER WITH OR WITHOUT HYPOTONIA, SEIZURES, AND CEREBELLAR ATROPHY. Last evaluated: 2023-01-20. Review status: no assertion criteria provided. Collection method: literature only. Allele origin: germline. Not counted in ClinVar's aggregate classification.

OMIM
Classification: Pathogenic for EMM-NULL PHENOTYPE. Last evaluated: 2022-04-30. Review status: no assertion criteria provided. Collection method: literature only. Allele origin: germline. Not counted in ClinVar's aggregate classification.

Diagnostic Laboratory, Department of Genetics, University Medical Center Groningen
Classification: Pathogenic. Review status: no assertion criteria provided. Collection method: clinical testing. Allele origin: germline. Affected: yes. Study: VKGL Data-share Consensus. Not counted in ClinVar's aggregate classification.

Genome Diagnostics Laboratory, Amsterdam University Medical Center
Classification: Likely pathogenic. Review status: no assertion criteria provided. Collection method: clinical testing. Allele origin: germline. Affected: yes. Study: VKGL Data-share Consensus. Not counted in ClinVar's aggregate classification.

Literature cited by the submitters: PubMed 34113002 (cited by Center for Genomic Medicine, Rigshospitalet, Copenhagen University Hospital and OMIM); PubMed 26996948 (cited by Labcorp Genetics (formerly Invitae), Labcorp); PubMed 28581210 (cited by Labcorp Genetics (formerly Invitae), Labcorp); PubMed 28771251 (cited by Labcorp Genetics (formerly Invitae), Labcorp); PubMed 34535746 (cited by OMIM); PubMed 34908758 (cited by OMIM).